The following is an entry in ClinVar:

ClinVar aggregate classification (germline): Uncertain significance (1 of 4 stars; one submission).

Submission:

Labcorp Genetics (formerly Invitae), Labcorp
Classification: Uncertain significance. Last evaluated: 2023-02-27. Review status: criteria provided, single submitter. Criteria: Invitae Variant Classification Sherloc (09022015). Collection method: clinical testing. Allele origin: germline.
Comment: ClinVar contains an entry for this variant (Variation ID: 1416531). This variant has not been reported in the literature in individuals affected with NPR3-related conditions. This variant is not present in population databases (gnomAD no frequency). This sequence change replaces glutamine, which is neutral and polar, with histidine, which is basic and polar, at codon 61 of the NPR3 protein (p.Gln61His). An algorithm developed to predict the effect of missense changes on protein structure and function (PolyPhen-2) suggests that this variant is likely to be tolerated. In summary, the available evidence is currently insufficient to determine the role of this variant in disease. Therefore, it has been classified as a Variant of Uncertain Significance.

NM_001204375.2(NPR3):c.183G>C (p.Gln61His)

Genes: NPR3 (natriuretic peptide receptor 3; plus strand), LOC123493284 (Sharpr-MPRA regulatory region 158; plus strand). Cytogenetic location: 5p13.3.
Variant type: single nucleotide variant.
Coding change: c.183G>C on transcript NM_001204375.2 (MANE Select); coding-DNA position 183, G replaced by C.
Protein change: p.Gln61His; replaces glutamine 61 with histidine.
Molecular consequence: missense variant. On other transcripts: intron variant (4).
Genome position (GRCh38, 1-based): chr5:32,711,959, G>C. VCF-style: chr5-32711959-G-C. GRCh37 (hg19) VCF-style: chr5-32712065-G-C.
Other names: c.183G>C, p.Gln61His (NM_000908.4); c.50-12739G>C (NM_001364458.2); c.121+1176G>C (NM_001363652.2, NM_001204376.2, NM_001364460.2); short protein forms Q61H.
Identifiers: ClinVar variation 1416531 (VCV001416531.6), dbSNP rs1474213281, ClinGen allele CA359466351.
Genomic context (GRCh38, chr5:32,711,959, plus strand): 5'-ACGCCAGGAGAGAGAGGCGCTGCCGCCACAGAAGATCGAGGTGCTGGTGTTACTGCCCCA[G>C]GATGACTCGTACTTGTTTTCACTCACCCGGGTGCGGCCGGCCATCGAGTATGCTCTGCGC-3'
Protein context (NP_001191304.1, residues 51-71): QKIEVLVLLP[Gln61His]DDSYLFSLTR